The following is an entry in ClinVar:

ClinVar aggregate classification (germline): Uncertain significance. Review status: criteria provided, multiple submitters, no conflicts (2 of 4 stars). 2 submissions from 2 submitters: Uncertain significance (2). Last evaluated 2024-02-19.

Allele frequency attached by ClinVar (database versions not stated): gnomAD 0.00001; TOPMed 0.00002.
gnomAD v4.1: 13 of 1,614,034 alleles (0.00081%); highest among the groups gnomAD compares: Non-Finnish European, 0.0011%; no homozygotes.

Submissions (2):

Blueprint Genetics
Classification: Uncertain significance. Last evaluated: 2024-02-19. Review status: criteria provided, single submitter. Criteria: ACMG Guidelines, 2015. Collection method: clinical testing. Allele origin: germline.

GeneDx
Classification: Uncertain significance. Last evaluated: 2019-09-03. Review status: criteria provided, single submitter. Criteria: GeneDx Variant Classification Process June 2021. Collection method: clinical testing. Allele origin: germline. Affected: yes.
Comment: Not observed in large population cohorts (Lek et al., 2016); In silico analysis, which includes protein predictors and evolutionary conservation, supports that this variant does not alter protein structure/function; Has not been previously published as pathogenic or benign to our knowledge

NM_005422.4(TECTA):c.229G>T (p.Val77Leu)

Genes: TBCEL-TECTA (TBCEL-TECTA readthrough; plus strand), TECTA (tectorin alpha; plus strand). Cytogenetic location: 11q23.3.
Variant type: single nucleotide variant.
Coding change: c.229G>T on transcript NM_005422.4 (MANE Select); coding-DNA position 229, G replaced by T.
Protein change: p.Val77Leu; replaces valine 77 with leucine.
Molecular consequence: missense variant.
Genome position (GRCh38, 1-based): chr11:121,109,241, G>T. VCF-style: chr11-121109241-G-T. GRCh37 (hg19) VCF-style: chr11-120979950-G-T.
Other names: c.1186G>T, p.Val396Leu (NM_001378761.1); short protein forms V396L, V77L.
Identifiers: ClinVar variation 1213490 (VCV001213490.4), dbSNP rs1045493065, ClinGen allele CA229829055.